The following is an entry in ClinVar:

NM_021224.6(ZNF462):c.6478C>T (p.Gln2160Ter)

Gene: ZNF462 (zinc finger protein 462; plus strand). Cytogenetic location: 9q31.2.
Variant type: single nucleotide variant.
Coding change: c.6478C>T on transcript NM_021224.6 (MANE Select); coding-DNA position 6478, C replaced by T.
Protein change: p.Gln2160Ter; replaces glutamine 2160 with a stop codon.
Molecular consequence: nonsense.
Genome position (GRCh38, 1-based): chr9:106,972,055, C>T. VCF-style: chr9-106972055-C-T. GRCh37 (hg19) VCF-style: chr9-109734336-C-T.
Other names: c.3883C>T, p.Gln1295Ter (NM_001347997.2); short protein forms Q1295*, Q2160*.
Identifiers: ClinVar variation 4866952 (VCV004866952.1).
Genomic context (GRCh38, chr9:106,972,055, plus strand): 5'-CTCTTCACAGACTCATCATATTCAGAGCCCCCAGATGTTCAGCAGCAGTTGAACCACTAT[C>T]AGTCAGCTGCCCTGGCAAGGAACAACAGCCGTGTTAGCCCTGTGCCTCTTTCTGGGGCTG-3'

ClinVar aggregate classification (germline): Pathogenic (1 of 4 stars; one submission).

Conditions:
Inborn genetic diseases. Identifiers: MedGen C0950123, MeSH D030342.

Submission:

Ambry Genetics
Classification: Pathogenic for Inborn genetic diseases. Last evaluated: 2026-03-24. Review status: criteria provided, single submitter. Criteria: Ambry Variant Classification Scheme 2023. Collection method: clinical testing. Allele origin: germline.
Comment: The c.6478C>T (p.Q2160*) alteration, located in exon 8 (coding exon 7) of the ZNF462 gene, consists of a C to T substitution at nucleotide position 6478. This changes the amino acid from a glutamine (Q) to a stop codon at amino acid position 2160. This variant is expected to result in loss of function by premature protein truncation or nonsense-mediated mRNA decay. This variant was not reported in population-based cohorts in the Genome Aggregation Database (gnomAD). Based on the available evidence, this alteration is classified as pathogenic.